The following is an entry in ClinVar:

NM_005332.3(HBZ):c.22A>G (p.Arg8Gly)

Gene: HBZ (hemoglobin subunit zeta; plus strand). Cytogenetic location: 16p13.3.
Variant type: single nucleotide variant.
Coding change: c.22A>G on transcript NM_005332.3 (MANE Select); coding-DNA position 22, A replaced by G.
Protein change: p.Arg8Gly; replaces arginine 8 with glycine.
Molecular consequence: missense variant.
Genome position (GRCh38, 1-based): chr16:152,931, A>G. VCF-style: chr16-152931-A-G. GRCh37 (hg19) VCF-style: chr16-202930-A-G.
Other names: short protein forms R8G.
Identifiers: ClinVar variation 4269100 (VCV004269100.3).

ClinVar aggregate classification (germline): Conflicting classifications of pathogenicity. Review status: criteria provided, conflicting classifications (1 of 4 stars). 2 submissions from 2 submitters: Uncertain significance (1); Likely benign (1). Last evaluated 2026-05-01.

gnomAD v4.1: 1,723 of 1,603,444 alleles (0.11%); highest among the groups gnomAD compares: Admixed American, 0.14%; 19 homozygotes.

Submissions (2):

CeGaT Center for Human Genetics Tuebingen
Classification: Likely benign. Last evaluated: 2026-05-01. Review status: criteria provided, single submitter. Criteria: CeGaT Center For Human Genetics Tuebingen Variant Classification Criteria Version 2. Collection method: clinical testing. Allele origin: germline. Affected: yes. Observed: 1 variant allele.
Comment: HBZ: BS2

Ambry Genetics
Classification: Uncertain significance. Last evaluated: 2025-07-01. Review status: criteria provided, single submitter. Criteria: Ambry Variant Classification Scheme 2023. Collection method: clinical testing. Allele origin: germline.